The following is an entry in ClinVar:

NM_006996.3(SLC19A2):c.902G>A (p.Trp301Ter)

Gene: SLC19A2 (solute carrier family 19 member 2; minus strand). Cytogenetic location: 1q24.2.
Variant type: single nucleotide variant.
Coding change: c.902G>A on transcript NM_006996.3 (MANE Select); coding-DNA position 902, G replaced by A.
Protein change: p.Trp301Ter; replaces tryptophan 301 with a stop codon.
Molecular consequence: nonsense.
Genome position (GRCh38, 1-based): chr1:169,470,092, C>T on the plus strand (G>A on the coding strand, the complement: SLC19A2 is on the minus strand). VCF-style: chr1-169470092-C-T. GRCh37 (hg19) VCF-style: chr1-169439330-C-T.
Other names: c.299G>A, p.Trp100Ter (NM_001319667.1); short protein forms W301*, W100*.
Identifiers: ClinVar variation 2833923 (VCV002833923.3), dbSNP rs2526240104, ClinGen allele CA343132084.

ClinVar aggregate classification (germline): Pathogenic (1 of 4 stars; one submission).

Submission:

Labcorp Genetics (formerly Invitae), Labcorp
Classification: Pathogenic. Last evaluated: 2023-02-02. Review status: criteria provided, single submitter. Criteria: Invitae Variant Classification Sherloc (09022015). Collection method: clinical testing. Allele origin: germline.
Comment: For these reasons, this variant has been classified as Pathogenic. This sequence change creates a premature translational stop signal (p.Trp301*) in the SLC19A2 gene. It is expected to result in an absent or disrupted protein product. Loss-of-function variants in SLC19A2 are known to be pathogenic (PMID: 10391221, 10391223, 10874303). This variant is not present in population databases (gnomAD no frequency). This variant has not been reported in the literature in individuals affected with SLC19A2-related conditions. Algorithms developed to predict the effect of sequence changes on RNA splicing suggest that this variant may create or strengthen a splice site.

Literature cited by the submitters: PubMed 10391221; PubMed 10391223; PubMed 10874303.